The following is an entry in ClinVar:

NM_001374259.2(IL12RB2):c.1929G>A (p.Thr643=)

Gene: IL12RB2 (interleukin 12 receptor subunit beta 2; plus strand). Cytogenetic location: 1p31.3.
Variant type: single nucleotide variant.
Coding change: c.1929G>A on transcript NM_001374259.2 (MANE Select); coding-DNA position 1929, G replaced by A.
Protein change: p.Thr643=; no amino-acid change (threonine 643 retained).
Molecular consequence: synonymous variant. On other transcripts: non-coding transcript variant (1), intron variant (1).
Genome position (GRCh38, 1-based): chr1:67,386,652, G>A. VCF-style: chr1-67386652-G-A. GRCh37 (hg19) VCF-style: chr1-67852335-G-A.
Other names: c.1929G>A, p.Thr643= (NM_001258214.1, NM_001319233.1, NM_001559.3); c.1671G>A, p.Thr557= (NM_001258215.1); c.1855+6529G>A (NM_001258216.1).
Identifiers: ClinVar variation 1170882 (VCV001170882.12), dbSNP rs2228420, ClinGen allele CA900605.

ClinVar aggregate classification (germline): Benign. Review status: criteria provided, multiple submitters, no conflicts (2 of 4 stars). 3 submissions from 3 submitters: Benign (3). Last evaluated 2026-02-04.

Allele frequency attached by ClinVar (database versions not stated): gnomAD 0.46429 and 0.46850; 1000 Genomes Project 30x 0.40678; TOPMed 0.43499; ExAC 0.52770; gnomAD exomes 0.56955 and 0.52810; 1000 Genomes Project 0.41354; ESP Exome Variant Server 0.45602.
gnomAD v4.1: 898,073 of 1,607,342 alleles (56%); highest among the groups gnomAD compares: Non-Finnish European, 59%; 259,069 homozygotes.

Submissions (3):

Labcorp Genetics (formerly Invitae), Labcorp
Classification: Benign. Last evaluated: 2026-02-04. Review status: criteria provided, single submitter. Criteria: Invitae Variant Classification Sherloc (09022015). Collection method: clinical testing. Allele origin: germline.

Unidad de Genómica Garrahan, Hospital de Pediatría Garrahan
Classification: Benign. Last evaluated: 2023-11-12. Review status: criteria provided, single submitter. Criteria: ACMG Guidelines, 2015. Collection method: clinical testing. Allele origin: germline. Affected: no. Observed: 61 variant alleles.
Comment: This variant is classified as Benign based on local population frequency. This variant was detected in 64% of patients studied by a panel of primary immunodeficiencies. Number of patients: 61. Only high quality variants are reported.

Breakthrough Genomics
Classification: Benign. Review status: criteria provided, single submitter. Criteria: ACMG Guidelines, 2015. Collection method: not provided. Allele origin: germline. Inheritance: Unknown mechanism. Affected: yes.